The following is an entry in ClinVar:

NM_024408.4(NOTCH2):c.2762A>G (p.Gln921Arg)

Gene: NOTCH2 (notch receptor 2; minus strand). Cytogenetic location: 1p12.
Variant type: single nucleotide variant.
Coding change: c.2762A>G on transcript NM_024408.4 (MANE Select); coding-DNA position 2762, A replaced by G.
Protein change: p.Gln921Arg; replaces glutamine 921 with arginine.
Molecular consequence: missense variant.
Genome position (GRCh38, 1-based): chr1:119,941,745, T>C on the plus strand (A>G on the coding strand, the complement: NOTCH2 is on the minus strand). VCF-style: chr1-119941745-T-C. GRCh37 (hg19) VCF-style: chr1-120484368-T-C.
Other names: c.2762A>G, p.Gln921Arg (NM_001200001.2); short protein forms Q921R.
Identifiers: ClinVar variation 2888354 (VCV002888354.6), dbSNP rs377647478, ClinGen allele CA30283588.

ClinVar aggregate classification (germline): Uncertain significance. Review status: criteria provided, multiple submitters, no conflicts (2 of 4 stars). 3 submissions from 3 submitters: Uncertain significance (3). Last evaluated 2025-11-11.

Conditions:
Hajdu-Cheney syndrome (HJCYS). Also called: ACROOSTEOLYSIS WITH OSTEOPOROSIS AND CHANGES IN SKULL AND MANDIBLE; SERPENTINE FIBULA-POLYCYSTIC KIDNEY SYNDROME; Acroosteolysis dominant type. Identifiers: Orphanet 955, MedGen C0917715, MONDO:0007057, OMIM 102500.
Alagille syndrome due to a NOTCH2 point mutation. Also called: Alagille syndrome 2. Identifiers: Orphanet 261629, Orphanet 52, MedGen C1857761, MONDO:0012439, OMIM 610205.

Allele frequency attached by ClinVar (database versions not stated): ESP Exome Variant Server 0.00008; gnomAD exomes 0.00001; gnomAD 0.00002; TOPMed 0.00002.
gnomAD v4.1: 19 of 1,613,262 alleles (0.0012%); highest among the groups gnomAD compares: Non-Finnish European, 0.0014%; no homozygotes.

Submissions (3):

Labcorp Genetics (formerly Invitae), Labcorp
Classification: Uncertain significance for Hajdu-Cheney syndrome. Last evaluated: 2025-11-11. Review status: criteria provided, single submitter. Criteria: Invitae Variant Classification Sherloc (09022015). Collection method: clinical testing. Allele origin: germline.
Comment: This sequence change replaces glutamine, which is neutral and polar, with arginine, which is basic and polar, at codon 921 of the NOTCH2 protein (p.Gln921Arg). This variant is present in population databases (rs377647478, gnomAD 0.0009%). This missense change has been observed in individual(s) with clinical features of NOTCH2-related conditions (PMID: 39202394). ClinVar contains an entry for this variant (Variation ID: 2888354). Invitae Evidence Modeling of protein sequence and biophysical properties (such as structural, functional, and spatial information, amino acid conservation, physicochemical variation, residue mobility, and thermodynamic stability) indicates that this missense variant is not expected to disrupt NOTCH2 protein function with a negative predictive value of 80%. In summary, the available evidence is currently insufficient to determine the role of this variant in disease. Therefore, it has been classified as a Variant of Uncertain Significance.

Dasa
Classification: Uncertain significance. Last evaluated: 2025-10-31. Review status: criteria provided, single submitter. Criteria: DASA Assertion Criteria. Collection method: clinical testing. Allele origin: germline.
Comment: NM_024408.4(NOTCH2):c.2762A>G (p.Gln921Arg) is a missense variant that results in the substitution of glutamine with arginine. This variant is rare in population databases. The currently available literature and clinical evidence are not sufficient to establish a definitive association between this variant and the reported condition. Therefore, this variant is classified as a variant of uncertain significance.

Fulgent Genetics
Classification: Uncertain significance for Hajdu-Cheney syndrome; Alagille syndrome due to a NOTCH2 point mutation. Last evaluated: 2024-05-16. Review status: criteria provided, single submitter. Criteria: ACMG Guidelines, 2015. Collection method: clinical testing. Allele origin: germline.

Literature cited by the submitters: PubMed 39202394 (cited by Labcorp Genetics (formerly Invitae), Labcorp).